The following is an entry in ClinVar:

ClinVar aggregate classification (germline): Likely pathogenic (1 of 4 stars; one submission).

Conditions:
Stuve-Wiedemann syndrome (STWS). Also called: Stüve-Wiedemann syndrome. Identifiers: Orphanet 3206, MedGen C0796176, MONDO:0031280.

Submission:

Natera, Inc.
Classification: Likely pathogenic for Stuve-Wiedemann syndrome. Last evaluated: 2024-03-14. Review status: criteria provided, single submitter. Criteria: Natera Variant Classification Schema (03/2026). Collection method: clinical testing. Allele origin: germline.
Comment: The c.713G>A variant in LIFR is a nonsense variant predicted to introduce a stop codon at amino acid 238. This variant is expected to result in nonsense mediated decay, truncation, or a dysfunctional protein product. This variant is rare in the general population with a frequency below the threshold expected for the associated phenotype(s). Given the available evidence, this variant is classified as Likely Pathogenic.

NM_001127671.2(LIFR):c.713G>A (p.Trp238Ter)

Gene: LIFR (LIF receptor subunit alpha; minus strand). Cytogenetic location: 5p13.1.
Variant type: single nucleotide variant.
Coding change: c.713G>A on transcript NM_001127671.2 (MANE Select); coding-DNA position 713, G replaced by A.
Protein change: p.Trp238Ter; replaces tryptophan 238 with a stop codon.
Molecular consequence: nonsense.
Genome position (GRCh38, 1-based): chr5:38,511,813, C>T on the plus strand (G>A on the coding strand, the complement: LIFR is on the minus strand). VCF-style: chr5-38511813-C-T. GRCh37 (hg19) VCF-style: chr5-38511915-C-T.
Other names: c.713G>A, p.Trp238Ter (NM_001364297.2, NM_001364298.2, NM_002310.6); short protein forms W238*.
Identifiers: ClinVar variation 4815030 (VCV004815030.1).